The following is an entry in ClinVar:

ClinVar aggregate classification (germline): Uncertain significance (1 of 4 stars; one submission).

gnomAD v4.1: 2 of 1,613,800 alleles (0.00012%); highest among the groups gnomAD compares: Admixed American, 0.0033%; no homozygotes.

Submission:

GeneDx
Classification: Uncertain significance. Last evaluated: 2026-04-16. Review status: criteria provided, single submitter. Criteria: GeneDx Variant Classification Process June 2021. Collection method: clinical testing. Allele origin: germline.
Comment: Not observed at significant frequency in large population cohorts (gnomAD); In silico analysis suggests that this missense variant does not alter protein structure/function; Has not been previously published as pathogenic or benign to our knowledge

NM_012233.3(RAB3GAP1):c.1133T>C (p.Leu378Ser)

Gene: RAB3GAP1 (RAB3 GTPase activating protein catalytic subunit 1; plus strand). Cytogenetic location: 2q21.3.
Variant type: single nucleotide variant.
Coding change: c.1133T>C on transcript NM_012233.3 (MANE Select); coding-DNA position 1133, T replaced by C.
Protein change: p.Leu378Ser; replaces leucine 378 with serine.
Molecular consequence: missense variant.
Genome position (GRCh38, 1-based): chr2:135,130,618, T>C. VCF-style: chr2-135130618-T-C. GRCh37 (hg19) VCF-style: chr2-135888188-T-C.
Other names: c.1133T>C, p.Leu378Ser (NM_001172435.2); short protein forms L378S.
Identifiers: ClinVar variation 5037707 (VCV005037707.1).